The following is an entry in ClinVar:

NM_000834.5(GRIN2B):c.1427A>G (p.Tyr476Cys)

Gene: GRIN2B (glutamate ionotropic receptor NMDA type subunit 2B; minus strand). Cytogenetic location: 12p13.1.
Variant type: single nucleotide variant.
Coding change: c.1427A>G on transcript NM_000834.5 (MANE Select); coding-DNA position 1427, A replaced by G.
Protein change: p.Tyr476Cys; replaces tyrosine 476 with cysteine.
Molecular consequence: missense variant.
Genome position (GRCh38, 1-based): chr12:13,615,566, T>C on the plus strand (A>G on the coding strand, the complement: GRIN2B is on the minus strand). VCF-style: chr12-13615566-T-C. GRCh37 (hg19) VCF-style: chr12-13768500-T-C.
Other names: c.1427A>G (NM_000834.3); c.1427A>G, p.Tyr476Cys (NM_001413992.1); short protein forms Y476C.
Identifiers: ClinVar variation 2062826 (VCV002062826.7), dbSNP rs2497599638, ClinGen allele CA384052195.

ClinVar aggregate classification (germline): Uncertain significance. Review status: criteria provided, multiple submitters, no conflicts (2 of 4 stars). 2 submissions from 2 submitters: Uncertain significance (2). Last evaluated 2024-12-02.

Conditions:
Developmental and epileptic encephalopathy, 27 (DEE27). Also called: GRIN2B-Related Neurodevelopmental Disorder; Epileptic encephalopathy, early infantile, 27. Identifiers: Orphanet 3451, MedGen C4015316, MONDO:0014505, OMIM 616139.
Intellectual developmental disorder, autosomal dominant 6, with or without seizures. Also called: Intellectual disability, autosomal dominant 6; GRIN2B-related developmental delay, intellectual disability and autism spectrum disorder. Identifiers: Orphanet 589547, MedGen C3151411, MONDO:0013509, OMIM 613970.

Submissions (2):

Labcorp Genetics (formerly Invitae), Labcorp
Classification: Uncertain significance for Developmental and epileptic encephalopathy, 27; Intellectual developmental disorder, autosomal dominant 6, with or without seizures. Last evaluated: 2024-12-02. Review status: criteria provided, single submitter. Criteria: Invitae Variant Classification Sherloc (09022015). Collection method: clinical testing. Allele origin: germline.
Comment: This sequence change replaces tyrosine, which is neutral and polar, with cysteine, which is neutral and slightly polar, at codon 476 of the GRIN2B protein (p.Tyr476Cys). This variant is not present in population databases (gnomAD no frequency). This variant has not been reported in the literature in individuals affected with GRIN2B-related conditions. ClinVar contains an entry for this variant (Variation ID: 2062826). Invitae Evidence Modeling of protein sequence and biophysical properties (such as structural, functional, and spatial information, amino acid conservation, physicochemical variation, residue mobility, and thermodynamic stability) indicates that this missense variant is expected to disrupt GRIN2B protein function with a positive predictive value of 95%. In summary, the available evidence is currently insufficient to determine the role of this variant in disease. Therefore, it has been classified as a Variant of Uncertain Significance.

Revvity Omics, Revvity
Classification: Uncertain significance. Last evaluated: 2019-12-12. Review status: criteria provided, single submitter. Criteria: ACMG Guidelines, 2015. Collection method: clinical testing. Allele origin: germline.